The following is an entry in ClinVar:

ClinVar aggregate classification (germline): Uncertain significance (1 of 4 stars; one submission).

Conditions:
Kabuki syndrome. Also called: Kabuki make-up syndrome; NIIKAWA-KUROKI SYNDROME. Identifiers: Orphanet 2322, MedGen C0796004, MONDO:0016512.

Allele frequency attached by ClinVar (database versions not stated): gnomAD exomes below 0.00001; TOPMed below 0.00001.
gnomAD v4.1: 6 of 1,590,838 alleles (0.00038%); highest among the groups gnomAD compares: Non-Finnish European, 0.00051%; no homozygotes.

Submission:

Labcorp Genetics (formerly Invitae), Labcorp
Classification: Uncertain significance for Kabuki syndrome. Last evaluated: 2022-07-30. Review status: criteria provided, single submitter. Criteria: Invitae Variant Classification Sherloc (09022015). Collection method: clinical testing. Allele origin: germline.
Comment: This sequence change replaces serine, which is neutral and polar, with arginine, which is basic and polar, at codon 3202 of the KMT2D protein (p.Ser3202Arg). This variant is not present in population databases (gnomAD no frequency). This variant has not been reported in the literature in individuals affected with KMT2D-related conditions. Advanced modeling of protein sequence and biophysical properties (such as structural, functional, and spatial information, amino acid conservation, physicochemical variation, residue mobility, and thermodynamic stability) performed at Invitae indicates that this missense variant is not expected to disrupt KMT2D protein function. In summary, the available evidence is currently insufficient to determine the role of this variant in disease. Therefore, it has been classified as a Variant of Uncertain Significance.

NM_003482.4(KMT2D):c.9604A>C (p.Ser3202Arg)

Gene: KMT2D (lysine methyltransferase 2D; minus strand). Cytogenetic location: 12q13.12.
Variant type: single nucleotide variant.
Coding change: c.9604A>C on transcript NM_003482.4 (MANE Select); coding-DNA position 9604, A replaced by C.
Protein change: p.Ser3202Arg; replaces serine 3202 with arginine.
Molecular consequence: missense variant.
Genome position (GRCh38, 1-based): chr12:49,037,752, T>G on the plus strand (A>C on the coding strand, the complement: KMT2D is on the minus strand). VCF-style: chr12-49037752-T-G. GRCh37 (hg19) VCF-style: chr12-49431535-T-G.
Other names: short protein forms S3202R.
Identifiers: ClinVar variation 2164378 (VCV002164378.4), dbSNP rs1044968188, ClinGen allele CA236644420.
Genomic context (GRCh38, chr12:49,037,752, plus strand): 5'-AGGTCAAAGCCCCACTCTCGAGCTCAAACTTTTCCAGCAGGGAGGATCCTCCTGGGCCAC[T>G]CAGTGGGCTGGGGGTCAGCAGGTGAGCTGGTGGTCCTCCCGTGGCCCCAAAGGAGGCCTT-3'
Protein context (NP_003473.3, residues 3192-3212): PAHLLTPSPL[Ser3202Arg]GPGGSSLLEK